The following is an entry in ClinVar:

NM_000038.6(APC):c.8068G>A (p.Ala2690Thr)

Gene: APC (APC regulator of Wnt signaling pathway; plus strand). Cytogenetic location: 5q22.2.
Variant type: single nucleotide variant.
Coding change: c.8068G>A on transcript NM_000038.6 (MANE Select); coding-DNA position 8068, G replaced by A.
Protein change: p.Ala2690Thr; replaces alanine 2690 with threonine.
Molecular consequence: missense variant.
Genome position (GRCh38, 1-based): chr5:112,843,662, G>A. VCF-style: chr5-112843662-G-A. GRCh37 (hg19) VCF-style: chr5-112179359-G-A.
Other names: p.A2690T:GCA>ACA; c.8068G>A, p.Ala2690Thr (NM_001127510.3, NM_001354895.2); c.8014G>A, p.Ala2672Thr (NM_001127511.3); c.8122G>A, p.Ala2708Thr (NM_001354896.2); c.8098G>A, p.Ala2700Thr (NM_001354897.2); c.7993G>A, p.Ala2665Thr (NM_001354898.2); c.7984G>A, p.Ala2662Thr (NM_001354899.2); c.7945G>A, p.Ala2649Thr (NM_001354900.2); and 6 more; short protein forms A2690T, A2672T, A2599T, A2708T, A2649T, A2407T, A2530T, A2564T.
Identifiers: ClinVar variation 127322 (VCV000127322.66), dbSNP rs140868933, ClinGen allele CA014297.
Genomic context (GRCh38, chr5:112,843,662, plus strand): 5'-AGATCTGGAAGATCTCCCACAGGTAATACTCCCCCGGTGATTGACAGTGTTTCAGAAAAG[G>A]CAAATCCAAACATTAAAGATTCAAAAGATAATCAGGCAAAACAAAATGTGGGTAATGGCA-3'
Protein context (NP_000029.2, residues 2680-2700): PPVIDSVSEK[Ala2690Thr]NPNIKDSKDN

ClinVar aggregate classification (germline): Benign/Likely benign. Review status: criteria provided, multiple submitters, no conflicts (2 of 4 stars). 19 submissions from 19 submitters: Benign (12); Likely benign (4). 3 of the submissions do not count toward it. Last evaluated 2026-02-03.

Conditions:
Hereditary cancer-predisposing syndrome. Also called: Tumor predisposition; Hereditary neoplastic syndrome; Neoplastic Syndromes, Hereditary; Hereditary Cancer Syndrome. Identifiers: Orphanet 140162, MedGen C0027672, MeSH D009386, MONDO:0015356.
Familial adenomatous polyposis 1 (FAP1). Also called: FAMILIAL ADENOMATOUS POLYPOSIS 1, ATTENUATED; POLYPOSIS, ADENOMATOUS INTESTINAL. Identifiers: MedGen C2713442, MONDO:0021056, OMIM 175100. Disease mechanism: loss of function.
Carcinoma of colon (CRC). Also called: Colon carcinoma; Colonic carcinoma. Identifiers: MedGen C0699790, MONDO:0002032.

Allele frequency attached by ClinVar (database versions not stated): TOPMed 0.00053; ESP Exome Variant Server 0.00069; 1000 Genomes Project 30x 0.00078; 1000 Genomes Project 0.00100; gnomAD exomes 0.00137 and 0.00238; gnomAD 0.00146; ExAC 0.00256.
gnomAD v4.1: 2,230 of 1,613,912 alleles (0.14%); highest among the groups gnomAD compares: Non-Finnish European, 0.1%; 9 homozygotes.

Submissions (19):

Labcorp Genetics (formerly Invitae), Labcorp
Classification: Benign for Familial adenomatous polyposis 1. Last evaluated: 2026-02-03. Review status: criteria provided, single submitter. Criteria: Invitae Variant Classification Sherloc (09022015). Collection method: clinical testing. Allele origin: germline.

CeGaT Center for Human Genetics Tuebingen
Classification: Likely benign. Last evaluated: 2026-01-01. Review status: criteria provided, single submitter. Criteria: CeGaT Center For Human Genetics Tuebingen Variant Classification Criteria Version 2. Collection method: clinical testing. Allele origin: germline. Affected: yes. Observed: 8 variant alleles.
Comment: APC: BP4, BS1

Dasa
Classification: Likely benign. Last evaluated: 2025-12-01. Review status: criteria provided, single submitter. Criteria: DASA Assertion Criteria. Collection method: clinical testing. Allele origin: germline.
Comment: NM_000038.6(APC):c.8068G>A (p.Ala2690Thr) is a missense variant that results in the substitution of alanine with threonine. Population frequency is inconsistent with a disease-causing role for this variant, and observations in unaffected individuals support a benign interpretation. Therefore, based on the currently available evidence, this variant is classified as likely benign.

Quest Diagnostics Nichols Institute San Juan Capistrano
Classification: Benign. Last evaluated: 2025-04-11. Review status: criteria provided, single submitter. Criteria: Quest Diagnostics criteria. Collection method: clinical testing. Allele origin: unknown.

Center for Genomic Medicine, Rigshospitalet, Copenhagen University Hospital
Classification: Likely benign. Last evaluated: 2025-03-04. Review status: criteria provided, single submitter. Criteria: ACMG Guidelines, 2015. Collection method: clinical testing. Allele origin: germline.

KCCC/NGS Laboratory, Kuwait Cancer Control Center
Classification: Benign for Familial adenomatous polyposis 1. Last evaluated: 2025-02-01. Review status: criteria provided, single submitter. Criteria: ACMG Guidelines, 2015. Collection method: clinical testing. Allele origin: germline. Affected: no.

Blueprint Genetics
Classification: Likely benign. Last evaluated: 2024-11-19. Review status: criteria provided, single submitter. Criteria: ACMG Guidelines, 2015. Collection method: clinical testing. Allele origin: germline.

Institute for Biomarker Research, Medical Diagnostic Laboratories, L.L.C.
Classification: Benign for Hereditary cancer-predisposing syndrome. Last evaluated: 2024-05-07. Review status: criteria provided, single submitter. Criteria: ACMG Guidelines, 2015. Collection method: clinical testing. Allele origin: germline.

Myriad Genetics, Inc.
Classification: Benign for Familial adenomatous polyposis 1. Last evaluated: 2024-04-12. Review status: criteria provided, single submitter. Criteria: Myriad Autosomal Dominant, Autosomal Recessive and X-Linked Classification Criteria (2023). Collection method: clinical testing. Allele origin: unknown.
Comment: This variant is considered benign. This variant has been observed at a population frequency that is significantly greater than expected given the associated disease prevalence and penetrance.

Sema4
Classification: Benign for Hereditary cancer-predisposing syndrome. Last evaluated: 2020-03-21. Review status: criteria provided, single submitter. Criteria: Sema4 Curation Guidelines. Collection method: curation. Allele origin: germline.

Genetic Services Laboratory, University of Chicago
Classification: Benign. Last evaluated: 2018-07-12. Review status: criteria provided, single submitter. Criteria: ACMG Guidelines, 2015. Collection method: clinical testing. Allele origin: germline. Affected: no.

GeneDx
Classification: Benign. Last evaluated: 2018-01-30. Review status: criteria provided, single submitter. Criteria: GeneDx Variant Classification (06012015). Collection method: clinical testing. Allele origin: germline. Affected: yes.
Comment: This variant is considered likely benign or benign based on one or more of the following criteria: it is a conservative change, it occurs at a poorly conserved position in the protein, it is predicted to be benign by multiple in silico algorithms, and/or has population frequency not consistent with disease.

PreventionGenetics, part of Exact Sciences
Classification: Benign. Last evaluated: 2017-10-02. Review status: criteria provided, single submitter. Criteria: ACMG Guidelines, 2015. Collection method: clinical testing. Allele origin: germline.

Laboratory for Molecular Medicine, Mass General Brigham Personalized Medicine
Classification: Benign. Last evaluated: 2016-03-28. Review status: criteria provided, single submitter. Criteria: LMM Criteria. Collection method: clinical testing. Allele origin: germline.
Comment: Variant identified in a genome or exome case(s) and assessed due to predicted null impact of the variant or pathogenic assertions in the literature or databases. Disclaimer: This variant has not undergone full assessment. The following are preliminary notes: ExAC: 1.5% (102/6614) Finnish; ClinVar: 3 B, 1 VUS

Color Diagnostics, LLC DBA Color Health
Classification: Benign for Hereditary cancer-predisposing syndrome. Last evaluated: 2016-03-22. Review status: criteria provided, single submitter. Criteria: ACMG Guidelines, 2015. Collection method: clinical testing. Allele origin: germline.

Ambry Genetics
Classification: Benign for Hereditary cancer-predisposing syndrome. Last evaluated: 2014-12-30. Review status: criteria provided, single submitter. Criteria: Ambry Variant Classification Scheme 2023. Collection method: clinical testing. Allele origin: germline.

True Health Diagnostics
Classification: Likely benign for Hereditary cancer-predisposing syndrome. Last evaluated: 2018-04-05. Review status: no assertion criteria provided. Collection method: clinical testing. Allele origin: germline. Not counted in ClinVar's aggregate classification.

Pathway Genomics
Classification: Benign for Adenomatous polyposis coli. Last evaluated: 2014-11-06. Review status: no assertion criteria provided. Collection method: clinical testing. Allele origin: germline. Not counted in ClinVar's aggregate classification.

Department of Pathology and Laboratory Medicine, Sinai Health System
Classification: Likely benign for Carcinoma of colon. Review status: no assertion criteria provided. Collection method: clinical testing. Allele origin: unknown. Affected: yes. Study: The Canadian Open Genetics Repository (COGR). Not counted in ClinVar's aggregate classification.
Comment: The APC p.Ala2690Thr variant was not identified in the literature. The variant was identified in dbSNP (rs140868933) as â€šÃ„Ãºwith other alleleâ€šÃ„Ã¹, ClinVar (classified as benign by Invitae, Ambry Genetics, GeneDx, Color and 4 other submitters and likely benign by True Health Diagnostics and 1 other submitter), LOVD 3.0 (observed 6x) and UMD-LSDB (observed 2x). The variant was identified in control databases in 663 of 282,646 chromosomes (3 homozygous) at a frequency of 0.002 increasing the likelihood this could be a low frequency benign variant (Genome Aggregation Database Feb 27, 2017). The variant was observed in the following populations: Finnish in 354 of 25,120 chromosomes (freq: 0.01), Other in 18 of 7220 chromosomes (freq: 0.002), European in 264 of 128,976 chromosomes (freq: 0.002), South Asian in 19 of 30,616 chromosomes (freq: 0.0006), Latino in 6 of 35,434 chromosomes (freq: 0.0002), African in 2 of 24,962 chromosomes (freq: 0.00008), while the variant was not observed in the Ashkenazi Jewish, and East Asian populations. The p.Ala2690Thr residue is not conserved in mammals and four out of five computational analyses (PolyPhen-2, SIFT, AlignGVGD, BLOSUM, MutationTaster) do not suggest a high likelihood of impact to the protein; however, this information is not predictive enough to rule out pathogenicity. The variant occurs outside of the splicing consensus sequence and 1 of 4 in silico or computational prediction software programs (SpliceSiteFinder, MaxEntScan, NNSPLICE, GeneSplicer) predict a greater than 10% difference in splicing; this is not very predictive of pathogenicity. In summary, based on the above information this variant meets our laboratory's criteria to be classified as benign.

Literature cited by the submitters: PubMed 15122587 (cited by Quest Diagnostics Nichols Institute San Juan Capistrano); PubMed 20233475 (cited by Quest Diagnostics Nichols Institute San Juan Capistrano); PubMed 29641532 (cited by Quest Diagnostics Nichols Institute San Juan Capistrano); PubMed 24082139 (cited by Quest Diagnostics Nichols Institute San Juan Capistrano); PubMed 21859464 (cited by Quest Diagnostics Nichols Institute San Juan Capistrano).